The following is an entry in ClinVar:

ClinVar aggregate classification (germline): Pathogenic/Likely pathogenic. Review status: criteria provided, multiple submitters, no conflicts (2 of 4 stars). 10 submissions from 10 submitters: Pathogenic (5); Likely pathogenic (2). 3 of the submissions do not count toward it. Last evaluated 2026-08-31.

Conditions:
KBG syndrome (KBGS). Also called: ANKRD11-Related KBG Syndrome. Identifiers: Orphanet 2332, MedGen C0220687, MONDO:0007846, OMIM 148050.
Intellectual disability. Also called: Intellectual developmental disorder; Intellectual functioning disability; intellectual disabilities. Identifiers: MedGen C3714756, MeSH D008607, MONDO:0001071, HP:0001249.

Submissions (10):

GeneDx
Classification: Pathogenic. Last evaluated: 2026-08-31. Review status: criteria provided, single submitter. Criteria: GeneDx Variant Classification Process June 2021. Collection method: clinical testing. Allele origin: germline.
Comment: Frameshift variant predicted to result in protein truncation or nonsense mediated decay in a gene for which loss of function is a known mechanism of disease; Not observed at significant frequency in large population cohorts (gnomAD); Has not been previously published as pathogenic or benign to our knowledge

Institute of Human Genetics, Cologne University
Classification: Pathogenic for KBG syndrome. Last evaluated: 2024-12-30. Review status: criteria provided, single submitter. Criteria: ACMG Guidelines, 2015. Collection method: clinical testing. Allele origin: de novo. Affected: yes.

Labcorp Genetics (formerly Invitae), Labcorp
Classification: Pathogenic for KBG syndrome. Last evaluated: 2023-11-27. Review status: criteria provided, single submitter. Criteria: Invitae Variant Classification Sherloc (09022015). Collection method: clinical testing. Allele origin: germline.
Comment: This sequence change creates a premature translational stop signal (p.Arg2328Profs*204) in the ANKRD11 gene. It is expected to result in an absent or disrupted protein product. Loss-of-function variants in ANKRD11 are known to be pathogenic (PMID: 21782149, 25125236, 25413698, 25652421). This variant is not present in population databases (gnomAD no frequency). This variant has not been reported in the literature in individuals affected with ANKRD11-related conditions. ClinVar contains an entry for this variant (Variation ID: 450818). For these reasons, this variant has been classified as Pathogenic.

Revvity Omics, Revvity
Classification: Likely pathogenic for KBG syndrome. Last evaluated: 2022-03-18. Review status: criteria provided, single submitter. Criteria: ACMG Guidelines, 2015. Collection method: clinical testing. Allele origin: germline.

Groupe Hospitalier Pitie Salpetriere, Uf Genomique Du Developpement, Assistance Publique Hopitaux de Paris Sorbonne Université
Classification: Pathogenic for KBG syndrome. Last evaluated: 2020-12-01. Review status: criteria provided, single submitter. Criteria: ACMG Guidelines, 2015. Collection method: clinical testing. Allele origin: germline. Affected: yes.
Comment: This variant is a null variant (PVS1), absent or extremely rare in population databases (PM2_supp) and very strong evidence from reputable sources reporting the variant as pathogenic (PP5_very strong)

CeGaT Center for Human Genetics Tuebingen
Classification: Likely pathogenic. Last evaluated: 2018-10-01. Review status: criteria provided, single submitter. Criteria: CeGaT Center For Human Genetics Tuebingen Variant Classification Criteria Version 2. Collection method: clinical testing. Allele origin: germline. Affected: yes. Observed: 1 variant allele.

Genetic Services Laboratory, University of Chicago
Classification: Pathogenic. Last evaluated: 2017-07-05. Review status: criteria provided, single submitter. Criteria: ACMG Guidelines, 2015. Collection method: clinical testing. Allele origin: germline. Affected: yes.

Diagnostic Laboratory, Strasbourg University Hospital
Classification: Pathogenic for Intellectual disability. Last evaluated: 2019-12-01. Review status: no assertion criteria provided. Collection method: clinical testing. Allele origin: maternal. Affected: yes. Observed: 1 heterozygote. Not counted in ClinVar's aggregate classification.

Genome Diagnostics Laboratory, Amsterdam University Medical Center
Classification: Pathogenic. Review status: no assertion criteria provided. Collection method: clinical testing. Allele origin: germline. Affected: yes. Study: VKGL Data-share Consensus. Not counted in ClinVar's aggregate classification.

Laboratory of Diagnostic Genome Analysis, Leiden University Medical Center (LUMC)
Classification: Likely pathogenic. Review status: no assertion criteria provided. Collection method: clinical testing. Allele origin: germline. Affected: yes. Study: VKGL Data-share Consensus. Not counted in ClinVar's aggregate classification.

Literature cited by the submitters: PubMed 21782149 (cited by Labcorp Genetics (formerly Invitae), Labcorp); PubMed 25125236 (cited by Labcorp Genetics (formerly Invitae), Labcorp); PubMed 25413698 (cited by Labcorp Genetics (formerly Invitae), Labcorp); PubMed 25652421 (cited by Labcorp Genetics (formerly Invitae), Labcorp).

NM_013275.6(ANKRD11):c.6982dup (p.Arg2328fs)

Gene: ANKRD11 (ankyrin repeat domain 11; minus strand). Cytogenetic location: 16q24.3.
Variant type: Duplication.
Coding change: c.6982dup on transcript NM_013275.6 (MANE Select); coding-DNA position 6982, one base duplicated (C; older notation c.6982dupC).
Protein change: p.Arg2328fs; shifts the reading frame from arginine 2328.
Molecular consequence: frameshift variant.
Genome position (GRCh38, 1-based): chr16:89,279,560, G duplicated on the plus strand (C on the coding strand, the reverse complement: ANKRD11 is on the minus strand); the first of 6 consecutive G bases (chr16:89,279,560-89,279,565); duplicating any one gives the same sequence. VCF-style (leftmost placement, unchanged base first): chr16-89279559-C-CG. GRCh37 (hg19) VCF-style: chr16-89345967-C-CG.
Other names: c.6982dup, p.Arg2328fs (NM_001256182.2, NM_001256183.2); c.6982dupC (NM_013275.5); short protein forms R2328fs.
Identifiers: ClinVar variation 450818 (VCV000450818.64), dbSNP rs1555525088, ClinGen allele CA658658515.
Genomic context (GRCh38, chr16:89,279,559, plus strand): 5'-CTCTGGTTCGCGAGCATCTGCGCCCGGTTCCTGGTCATGCGCTGAGGGATCTCCTCCACT[C>CG]GGGGGGCCTTCGGGGCTTCGGCCGTGGGTTTTGGTTCTGCGGCTTCCGGCTGGATGCCGC-3'